The following is an entry in ClinVar:

NM_005026.5(PIK3CD):c.2389A>G (p.Met797Val)

Gene: PIK3CD (phosphatidylinositol-4,5-bisphosphate 3-kinase catalytic subunit delta; plus strand). Cytogenetic location: 1p36.22.
Variant type: single nucleotide variant.
Coding change: c.2389A>G on transcript NM_005026.5 (MANE Select); coding-DNA position 2389, A replaced by G.
Protein change: p.Met797Val; replaces methionine 797 with valine.
Molecular consequence: missense variant.
Genome position (GRCh38, 1-based): chr1:9,722,569, A>G. VCF-style: chr1-9722569-A-G. GRCh37 (hg19) VCF-style: chr1-9782627-A-G.
Other names: NM_005026.5(PIK3CD):c.2389A>G; p.Met797Val; c.2389A>G (LRG_191t1); c.2386A>G, p.Met796Val (NM_001350234.2); c.2302A>G, p.Met768Val (NM_001350235.1); short protein forms M797V, M768V, M796V.
Identifiers: ClinVar variation 636715 (VCV000636715.2), dbSNP rs1570393363, ClinGen allele CA338305892.

ClinVar aggregate classification (germline): Uncertain significance. Review status: reviewed by expert panel (3 of 4 stars). 2 submissions from 2 submitters: Uncertain significance (1). 1 of the submissions does not count toward it. Last evaluated 2025-12-19.

Conditions:
Immunodeficiency 14 (IMD14A). Also called: p110-DELTA-ACTIVATING MUTATION CAUSING SENESCENT T CELLS, LYMPHADENOPATHY, AND IMMUNODEFICIENCY; IMMUNODEFICIENCY 14A WITH LYMPHOPROLIFERATION, AUTOSOMAL DOMINANT; ACTIVATED PI3K-DELTA SYNDROME 1; Activated PI3K Delta Syndrome Type 1 (APDS1). Identifiers: Orphanet 397596, Orphanet 693661, MedGen C5907821, MONDO:0014222, OMIM 615513.

Submissions (2):

ClinGen Primary Immune Regulatory Disorders Variant Curation Expert Panel, ClinGen
Classification: Uncertain significance for Immunodeficiency 14. Last evaluated: 2025-12-19. Review status: reviewed by expert panel. Criteria: ClinGen AbDef ACMG Specifications PIK3CD V1.0.0. Collection method: curation. Allele origin: germline. Inheritance: Autosomal dominant inheritance.
Comment: NM_005026.5(PIK3CD):c.2389A>G (p.Met797Val) is a missense variant causing substitution of methionine by valine at amino acid 797. This variant is absent from gnomAD v4.1.0 (PM2_Supporting). This variant has been reported in at least 1 proband with a phenotype that included a diagnosis of common variable immunodeficiency, with sick sinus syndrome and bronchiectasis (4 pts), epilepsy (0.5 pts), low IgG, IgA and IgM (0.5 pts), and low CD4+ and CD8+ counts (1 pt), with no description of the genotyping method, which together are not sufficiently specific for immunodeficiency 14 for inclusion in PS4_Supporting (PMID: 37234151). This variant has been submitted to ClinVar in a patient affected with an unspecified condition, and genotyped with a next-generation sequencing panel for primary immunodeficiency (SCV000927800.1). Detailed phenotypes are not reported, so PS4_Supporting is not met. The computational predictor REVEL gives a score of 0.774, which is above the ClinGen Antibody Deficiencies VCEP threshold of >0.644 and predicts a damaging effect on PIK3CD function. The computational predictor CADD gives a PHRED score of 27.1, which is above the ClinGen Antibody Deficiencies VCEP threshold of >25.3 and predicts a deleterious effect on PIK3CD function. The two predictors agree on a damaging effect (PP3). In summary, this variant meets the criteria to be classified as a variant of uncertain significance for autosomal dominant immunodeficiency 14 based on the ACMG/AMP criteria applied, as specified by the ClinGen Antibody Deficiencies VCEP: PM2_Supporting, PP3. (VCEP specifications version 1.0.0).

Blueprint Genetics
Classification: Uncertain significance. Last evaluated: 2018-04-05. Review status: criteria provided, single submitter. Criteria: ACMG Guidelines, 2015. Collection method: clinical testing. Allele origin: germline. Not counted in ClinVar's aggregate classification.